The following is an entry in ClinVar:

ClinVar aggregate classification (germline): Uncertain significance (1 of 4 stars; one submission).

Conditions:
Primary ciliary dyskinesia. Also called: Ciliary dyskinesia. Identifiers: Orphanet 244, MedGen C0008780, MONDO:0016575, HP:0012265.

gnomAD v4.1: 1 of 1,613,998 alleles (0.000062%); highest among the groups gnomAD compares: Admixed American, 0.0017%; no homozygotes.

Submission:

Labcorp Genetics (formerly Invitae), Labcorp
Classification: Uncertain significance for Primary ciliary dyskinesia. Last evaluated: 2021-08-29. Review status: criteria provided, single submitter. Criteria: Invitae Variant Classification Sherloc (09022015). Collection method: clinical testing. Allele origin: germline.
Comment: This sequence change replaces serine with asparagine at codon 583 of the DNAAF1 protein (p.Ser583Asn). The serine residue is moderately conserved and there is a small physicochemical difference between serine and asparagine. This variant is not present in population databases (ExAC no frequency). This variant has not been reported in the literature in individuals affected with DNAAF1-related conditions. Algorithms developed to predict the effect of missense changes on protein structure and function are either unavailable or do not agree on the potential impact of this missense change (SIFT: "Tolerated"; PolyPhen-2: "Possibly Damaging"; Align-GVGD: "Class C0"). In summary, the available evidence is currently insufficient to determine the role of this variant in disease. Therefore, it has been classified as a Variant of Uncertain Significance.

NM_178452.6(DNAAF1):c.1748G>A (p.Ser583Asn)

Gene: DNAAF1 (dynein axonemal assembly factor 1; plus strand). Cytogenetic location: 16q24.1.
Variant type: single nucleotide variant.
Coding change: c.1748G>A on transcript NM_178452.6 (MANE Select); coding-DNA position 1748, G replaced by A.
Protein change: p.Ser583Asn; replaces serine 583 with asparagine.
Molecular consequence: missense variant.
Genome position (GRCh38, 1-based): chr16:84,175,982, G>A. VCF-style: chr16-84175982-G-A. GRCh37 (hg19) VCF-style: chr16-84209588-G-A.
Other names: c.1040G>A, p.Ser347Asn (NM_001318756.1); short protein forms S347N, S583N.
Identifiers: ClinVar variation 1365244 (VCV001365244.3), dbSNP rs1488717484, ClinGen allele CA396950388.